The following is an entry in ClinVar:

ClinVar aggregate classification (germline): Conflicting classifications of pathogenicity. Review status: criteria provided, conflicting classifications (1 of 4 stars). 5 submissions from 5 submitters: Uncertain significance (1); Likely benign (4). Last evaluated 2026-05-11.

Conditions:
Long QT syndrome (LQTS). Identifiers: MedGen C0023976, MeSH D008133, MONDO:0002442. Disease mechanism: loss of function. Inheritance: Various modes of inheritance.
Long QT syndrome 2 (LQT2). Identifiers: Orphanet 101016, Orphanet 768, MedGen C3150943, MONDO:0013367, OMIM 613688.
Cardiac arrhythmia. Also called: Arrhythmia; Cardiac rhythm disease. Identifiers: MedGen C0003811, MONDO:0007263, HP:0011675.

Allele frequency attached by ClinVar (database versions not stated): gnomAD 0.00003 and below 0.00001; ExAC 0.00013; gnomAD exomes 0.00014.
gnomAD v4.1: 112 of 1,614,000 alleles (0.0069%); highest among the groups gnomAD compares: South Asian, 0.11%; 1 homozygote.

Submissions (5):

Women's Health and Genetics/Laboratory Corporation of America, LabCorp
Classification: Likely benign. Last evaluated: 2026-05-11. Review status: criteria provided, single submitter. Criteria: LabCorp Variant Classification Summary - May 2015. Collection method: clinical testing. Allele origin: germline.

Labcorp Genetics (formerly Invitae), Labcorp
Classification: Likely benign for Long QT syndrome. Last evaluated: 2025-08-30. Review status: criteria provided, single submitter. Criteria: Invitae Variant Classification Sherloc (09022015). Collection method: clinical testing. Allele origin: germline.

Color Diagnostics, LLC DBA Color Health
Classification: Likely benign for Arrhythmia. Last evaluated: 2020-01-27. Review status: criteria provided, single submitter. Criteria: ACMG Guidelines, 2015. Collection method: clinical testing. Allele origin: germline.

GeneDx
Classification: Likely benign. Last evaluated: 2019-05-21. Review status: criteria provided, single submitter. Criteria: GeneDx Variant Classification Process June 2021. Collection method: clinical testing. Allele origin: germline. Affected: yes.
Comment: See Variant Classification Assertion Criteria.

MVZ Martinsried, Medicover Genetics
Classification: Uncertain significance for Long QT syndrome 2. Last evaluated: 2017-05-22. Review status: criteria provided, single submitter. Criteria: ACMG Guidelines, 2015. Collection method: clinical testing. Allele origin: unknown. Affected: yes.

NM_000238.4(KCNH2):c.1342G>T (p.Ala448Ser)

Gene: KCNH2 (potassium voltage-gated channel subfamily H member 2; minus strand). Cytogenetic location: 7q36.1.
Variant type: single nucleotide variant.
Coding change: c.1342G>T on transcript NM_000238.4 (MANE Select); coding-DNA position 1342, G replaced by T.
Protein change: p.Ala448Ser; replaces alanine 448 with serine.
Molecular consequence: missense variant.
Genome position (GRCh38, 1-based): chr7:150,952,640, C>A on the plus strand (G>T on the coding strand, the complement: KCNH2 is on the minus strand). VCF-style: chr7-150952640-C-A. GRCh37 (hg19) VCF-style: chr7-150649728-C-A.
Other names: c.322G>T, p.Ala108Ser (NM_001204798.2, NM_172057.3); c.1054G>T, p.Ala352Ser (NM_001406753.1, NM_001406756.1); c.1165G>T, p.Ala389Ser (NM_001406755.1); c.1042G>T, p.Ala348Ser (NM_001406757.1); c.1342G>T, p.Ala448Ser (NM_172056.3); short protein forms A108S, A448S, A348S, A389S, A352S.
Identifiers: ClinVar variation 448973 (VCV000448973.18), dbSNP rs767723985, ClinGen allele CA027793.
Genomic context (GRCh38, chr7:150,952,640, plus strand): 5'-GGATGTCCACAATGAACATGATGTCCACGATGAGGTCCACCACAGCCAGCGGCTGGCAGG[C>A]GTAGCCACACTCGGTAGCAGGCGGGCCTTCTTCCGTCTCCTTCAGCAGGAAGGCAGCCGA-3'
Protein context (NP_000229.1, residues 438-458): EGPPATECGY[Ala448Ser]CQPLAVVDLI